The following is an entry in ClinVar:

ClinVar aggregate classification (germline): Uncertain significance (1 of 4 stars; one submission).

Submission:

Women's Health and Genetics/Laboratory Corporation of America, LabCorp
Classification: Uncertain significance. Last evaluated: 2024-10-16. Review status: criteria provided, single submitter. Criteria: LabCorp Variant Classification Summary - May 2015. Collection method: clinical testing. Allele origin: germline.
Comment: Variant summary: The variant involves the duplication of exons 2-5 in the JAK1 gene. A presumed nomenclature of c.(-78+1_-77-1)_(483+1_484-1)dup has been designated for the purposes of this classification. It is predicted to duplicate a segment including the initiation codon, therefore its impact on the encoded protein is unknown. The variant was absent in 21694 control chromosomes (gnomAD, structural variants dataset). The available data on variant occurrences in the general population are insufficient to allow any conclusion about variant significance. c.(-78+1_-77-1)_(483+1_484-1)dup has been reported in the literature a heterozygous individual affected with Autoinflammation, Immune Dysregulation, And Eosinophilia (Baxter_2021). These data do not allow any conclusion about variant significance. To our knowledge, no experimental evidence demonstrating an impact on protein function has been reported. The following publication has been ascertained in the context of this evaluation (PMID: 33864888). No submitters have cited clinical-significance assessments for this variant to ClinVar. Based on the evidence outlined above, the variant was classified as uncertain significance.

Literature cited by the submitters: PubMed 33864888.

NC_000001.10:g.(65335158_65339052)_(65352025_65432015)dup

Gene: JAK1 (Janus kinase 1; minus strand). Cytogenetic location: 1p31.3.
Variant type: Duplication.
Identifiers: ClinVar variation 3385256 (VCV003385256.1).